The following is an entry in ClinVar:

NC_012920.1(MT-ND2):m.5206C>T

Gene: MT-ND2 (mitochondrially encoded NADH dehydrogenase 2; plus strand).
Variant type: single nucleotide variant.
Genome position: chrM-5206-C-T.
Identifiers: ClinVar variation 692557 (VCV000692557.1), dbSNP rs1556422963, ClinGen allele CA414779329.

ClinVar aggregate classification (germline): Benign (1 of 4 stars; one submission).

Conditions:
Leigh syndrome (NULS). Also called: Leigh's necrotizing encephalopathy; Leigh's disease; Leigh Syndrome (mtDNA deletion); Leigh Disease; Subacute necrotizing encephalopathy; Necrotizing encephalopathy infantile subacute of Leigh. Identifiers: Orphanet 506, MedGen C2931891, MONDO:0009723, OMIM 256000.

Submission:

Wong Mito Lab, Molecular and Human Genetics, Baylor College of Medicine
Classification: Benign for Leigh syndrome. Last evaluated: 2019-10-17. Review status: criteria provided, single submitter. Criteria: Modified ACMG Guidelines (Unpublished). Collection method: clinical testing. Allele origin: germline.
Comment: The NC_012920.1:m.5206C>T (YP_003024027.1:p.Ser246Phe) variant in MTND2 gene is interpretated to be a Benign variant based on the modified ACMG guidelines (unpublished). This variant meets the following evidence codes: BS1, BS4, BP4